The following is an entry in ClinVar:

NM_001367805.3(KIF23):c.2765A>T (p.Lys922Ile)

Gene: KIF23 (kinesin family member 23; plus strand). Cytogenetic location: 15q23.
Variant type: single nucleotide variant.
Coding change: c.2765A>T on transcript NM_001367805.3 (MANE Select); coding-DNA position 2765, A replaced by T.
Protein change: p.Lys922Ile; replaces lysine 922 with isoleucine.
Molecular consequence: missense variant. On other transcripts: non-coding transcript variant (2), intron variant (1).
Genome position (GRCh38, 1-based): chr15:69,446,291, A>T. VCF-style: chr15-69446291-A-T. GRCh37 (hg19) VCF-style: chr15-69738630-A-T.
Other names: c.2141A>T, p.Lys714Ile (NM_001281301.2); c.2411A>T, p.Lys804Ile (NM_004856.7); c.2723A>T, p.Lys908Ile (NM_138555.4); c.2714+200A>T (NM_001367804.2); short protein forms K714I, K804I, K908I, K922I.
Identifiers: ClinVar variation 3389860 (VCV003389860.14).

ClinVar aggregate classification (germline): Uncertain significance (1 of 4 stars; one submission).

Submission:

CeGaT Center for Human Genetics Tuebingen
Classification: Uncertain significance. Last evaluated: 2024-10-01. Review status: criteria provided, single submitter. Criteria: CeGaT Center For Human Genetics Tuebingen Variant Classification Criteria Version 2. Collection method: clinical testing. Allele origin: germline. Affected: yes. Observed: 1 variant allele.
Comment: KIF23: PM2, PP2